The following is an entry in ClinVar:

ClinVar aggregate classification (germline): Likely benign (0 of 4 stars; one submission).

Conditions:
MEOX1-related disorder. Also called: MEOX1-related condition.

Allele frequency attached by ClinVar (database versions not stated): gnomAD 0.00001; ExAC 0.00003.
gnomAD v4.1: 16 of 1,602,958 alleles (0.001%); highest among the groups gnomAD compares: African/African-American, 0.004%; no homozygotes.

Submission:

PreventionGenetics, part of Exact Sciences
Classification: Likely benign for MEOX1-related condition. Last evaluated: 2020-12-29. Review status: no assertion criteria provided. Collection method: clinical testing. Allele origin: germline.
Comment: This variant is classified as likely benign based on ACMG/AMP sequence variant interpretation guidelines (Richards et al. 2015 PMID: 25741868, with internal and published modifications).

NM_004527.4(MEOX1):c.165G>A (p.Ala55=)

Gene: MEOX1 (mesenchyme homeobox 1; minus strand). Cytogenetic location: 17q21.31.
Variant type: single nucleotide variant.
Coding change: c.165G>A on transcript NM_004527.4 (MANE Select); coding-DNA position 165, G replaced by A.
Protein change: p.Ala55=; no amino-acid change (alanine 55 retained).
Molecular consequence: synonymous variant. On other transcripts: 5 prime UTR variant (1).
Genome position (GRCh38, 1-based): chr17:43,661,370, C>T on the plus strand (G>A on the coding strand, the complement: MEOX1 is on the minus strand). VCF-style: chr17-43661370-C-T. GRCh37 (hg19) VCF-style: chr17-41738738-C-T.
Other names: c.-181G>A (NM_001040002.2); c.165G>A, p.Ala55= (NM_013999.4).
Identifiers: ClinVar variation 3029888 (VCV003029888.2), dbSNP rs770584735, ClinGen allele CA8592692.